The following is an entry in ClinVar:

ClinVar aggregate classification (germline): Likely benign (1 of 4 stars; one submission).

gnomAD v4.1: 23 of 1,611,412 alleles (0.0014%); highest among the groups gnomAD compares: Non-Finnish European, 0.0018%; no homozygotes.

Submission:

CeGaT Center for Human Genetics Tuebingen
Classification: Likely benign. Last evaluated: 2025-05-01. Review status: criteria provided, single submitter. Criteria: CeGaT Center For Human Genetics Tuebingen Variant Classification Criteria Version 2. Collection method: clinical testing. Allele origin: germline. Affected: yes. Observed: 1 variant allele.
Comment: HIPK2: BP4, BP7

NM_022740.5(HIPK2):c.1233G>T (p.Arg411=)

Gene: HIPK2 (homeodomain interacting protein kinase 2; minus strand). Cytogenetic location: 7q34.
Variant type: single nucleotide variant.
Coding change: c.1233G>T on transcript NM_022740.5 (MANE Select); coding-DNA position 1233, G replaced by T.
Protein change: p.Arg411=; no amino-acid change (arginine 411 retained).
Molecular consequence: synonymous variant.
Genome position (GRCh38, 1-based): chr7:139,631,279, C>A on the plus strand (G>T on the coding strand, the complement: HIPK2 is on the minus strand). VCF-style: chr7-139631279-C-A. GRCh37 (hg19) VCF-style: chr7-139316025-C-A.
Other names: c.1233G>T, p.Arg411= (NM_001113239.3).
Identifiers: ClinVar variation 3905592 (VCV003905592.10).